The following is an entry in ClinVar:

ClinVar aggregate classification (germline): Pathogenic (1 of 4 stars; one submission).

Conditions:
Xanthinuria type II. Also called: Xanthine dehydrogenase and aldehyde oxidase combined deficiency of; XDH and AOX dual deficiency. Identifiers: Orphanet 3467, Orphanet 93602, MedGen C1863688, MONDO:0011346, OMIM 603592.

Submission:

Labcorp Genetics (formerly Invitae), Labcorp
Classification: Pathogenic for Xanthinuria type II. Last evaluated: 2024-03-13. Review status: criteria provided, single submitter. Criteria: Invitae Variant Classification Sherloc (09022015). Collection method: clinical testing. Allele origin: germline.
Comment: This sequence change creates a premature translational stop signal (p.Gln183*) in the XDH gene. It is expected to result in an absent or disrupted protein product. Loss-of-function variants in XDH are known to be pathogenic (PMID: 9153281). This variant is not present in population databases (gnomAD no frequency). This variant has not been reported in the literature in individuals affected with XDH-related conditions. Algorithms developed to predict the effect of sequence changes on RNA splicing suggest that this variant may disrupt the consensus splice site. For these reasons, this variant has been classified as Pathogenic.

Literature cited by the submitters: PubMed 9153281.

NM_000379.4(XDH):c.547C>T (p.Gln183Ter)

Gene: XDH (xanthine dehydrogenase; minus strand). Cytogenetic location: 2p23.1.
Variant type: single nucleotide variant.
Coding change: c.547C>T on transcript NM_000379.4 (MANE Select); coding-DNA position 547, C replaced by T.
Protein change: p.Gln183Ter; replaces glutamine 183 with a stop codon.
Molecular consequence: nonsense.
Genome position (GRCh38, 1-based): chr2:31,388,244, G>A on the plus strand (C>T on the coding strand, the complement: XDH is on the minus strand). VCF-style: chr2-31388244-G-A. GRCh37 (hg19) VCF-style: chr2-31611110-G-A.
Other names: short protein forms Q183*.
Identifiers: ClinVar variation 2868102 (VCV002868102.3), dbSNP rs2465407485, ClinGen allele CA346497839.
Genomic context (GRCh38, chr2:31,388,244, plus strand): 5'-TCAGATTACCCCCAGGCTTCCAGGGGGAGAAGAACTCACTTACTGAGTGGTCTTTCTTCT[G>A]GTTCATGCAGCAATTTGGATTATTCCCATCTCCTCCACAGCATCCACCATCCTAGAGAGA-3'